The following is an entry in ClinVar:

NM_001197104.2(KMT2A):c.6193C>T (p.Arg2065Cys)

Gene: KMT2A (lysine methyltransferase 2A; plus strand). Cytogenetic location: 11q23.3.
Variant type: single nucleotide variant.
Coding change: c.6193C>T on transcript NM_001197104.2 (MANE Select); coding-DNA position 6193, C replaced by T.
Protein change: p.Arg2065Cys; replaces arginine 2065 with cysteine.
Molecular consequence: missense variant.
Genome position (GRCh38, 1-based): chr11:118,501,021, C>T. VCF-style: chr11-118501021-C-T. GRCh37 (hg19) VCF-style: chr11-118371736-C-T.
Other names: c.6283C>T, p.Arg2095Cys (NM_001412597.1); c.6184C>T, p.Arg2062Cys (NM_005933.4); short protein forms R2095C, R2062C, R2065C.
Identifiers: ClinVar variation 4767283 (VCV004767283.1).

ClinVar aggregate classification (germline): Uncertain significance (1 of 4 stars; one submission).

Submission:

Labcorp Genetics (formerly Invitae), Labcorp
Classification: Uncertain significance. Last evaluated: 2025-07-18. Review status: criteria provided, single submitter. Criteria: Invitae Variant Classification Sherloc (09022015). Collection method: clinical testing. Allele origin: germline.
Comment: This sequence change replaces arginine, which is basic and polar, with cysteine, which is neutral and slightly polar, at codon 2065 of the KMT2A protein (p.Arg2065Cys). This variant is not present in population databases (gnomAD no frequency). This variant has not been reported in the literature in individuals affected with KMT2A-related conditions. Invitae Evidence Modeling of protein sequence and biophysical properties (such as structural, functional, and spatial information, amino acid conservation, physicochemical variation, residue mobility, and thermodynamic stability) has been performed for this missense variant. However, the output from this modeling did not meet the statistical confidence thresholds required to predict the impact of this variant on KMT2A protein function. In summary, the available evidence is currently insufficient to determine the role of this variant in disease. Therefore, it has been classified as a Variant of Uncertain Significance.